The following is an entry in ClinVar:

ClinVar aggregate classification (germline): Conflicting classifications of pathogenicity. Review status: criteria provided, conflicting classifications (1 of 4 stars). 6 submissions from 6 submitters: Uncertain significance (2); Likely benign (4). Last evaluated 2026-01-08.

Conditions:
SMARCA4-related disorder. Also called: SMARCA4-related condition.
Hereditary cancer-predisposing syndrome. Also called: Neoplastic Syndromes, Hereditary; Hereditary neoplastic syndrome; Hereditary Cancer Syndrome; Tumor predisposition. Identifiers: Orphanet 140162, MedGen C0027672, MeSH D009386, MONDO:0015356.
Intellectual disability, autosomal dominant 16 (CSS4). Also called: COFFIN-SIRIS SYNDROME 4. Identifiers: Orphanet 1465, MedGen C3553249, MONDO:0013821, OMIM 614609.
Rhabdoid tumor predisposition syndrome 2 (RTPS2). Identifiers: Orphanet 231108, Orphanet 69077, MedGen C2750074, MONDO:0013224, OMIM 613325.

Allele frequency attached by ClinVar (database versions not stated): gnomAD below 0.00001 and 0.00001; TOPMed below 0.00001; gnomAD exomes 0.00003 and 0.00007; ExAC 0.00035.
gnomAD v4.1: 44 of 1,539,492 alleles (0.0029%); highest among the groups gnomAD compares: South Asian, 0.037%; no homozygotes.

Submissions (6):

Labcorp Genetics (formerly Invitae), Labcorp
Classification: Likely benign for Rhabdoid tumor predisposition syndrome 2. Last evaluated: 2026-01-08. Review status: criteria provided, single submitter. Criteria: Invitae Variant Classification Sherloc (09022015). Collection method: clinical testing. Allele origin: germline.

PreventionGenetics, part of Exact Sciences
Classification: Likely benign for SMARCA4-related condition. Last evaluated: 2025-11-18. Review status: criteria provided, single submitter. Criteria: ACMG Guidelines, 2015. Collection method: clinical testing. Allele origin: germline.
Comment: This variant is classified as likely benign based on ACMG/AMP sequence variant interpretation guidelines (Richards et al. 2015 PMID: 25741868, with internal and published modifications).

GeneDx
Classification: Uncertain significance. Last evaluated: 2023-12-14. Review status: criteria provided, single submitter. Criteria: GeneDx Variant Classification Process June 2021. Collection method: clinical testing. Allele origin: germline. Affected: yes.
Comment: In silico analysis supports that this missense variant does not alter protein structure/function; Has not been previously published as pathogenic or benign to our knowledge

Quest Diagnostics Nichols Institute San Juan Capistrano
Classification: Uncertain significance. Last evaluated: 2022-11-17. Review status: criteria provided, single submitter. Criteria: Quest Diagnostics criteria. Collection method: clinical testing. Allele origin: unknown.
Comment: To the best of our knowledge, the variant has not been reported in the published literature. The frequency of this variant in the general population, 0.00036 (8/22456 chromosomes in South Asian subpopulation), is higher than would generally be expected for pathogenic variants in this gene. Analysis of this variant using bioinformatics tools for the prediction of the effect of amino acid changes on protein structure and function yielded predictions that this variant is benign. Based on the available information, we are unable to determine the clinical significance of this variant.

Genome-Nilou Lab
Classification: Likely benign for Intellectual disability, autosomal dominant 16. Last evaluated: 2021-07-15. Review status: criteria provided, single submitter. Criteria: ACMG Guidelines, 2015. Collection method: clinical testing. Allele origin: germline. Affected: no.

Ambry Genetics
Classification: Likely benign for Hereditary cancer-predisposing syndrome. Last evaluated: 2019-02-09. Review status: criteria provided, single submitter. Criteria: Ambry Variant Classification Scheme 2023. Collection method: clinical testing. Allele origin: germline.

NM_003072.5(SMARCA4):c.715G>A (p.Gly239Ser)

Gene: SMARCA4 (SWI/SNF related BAF chromatin remodeling complex subunit ATPase 4; plus strand). Cytogenetic location: 19p13.2.
Variant type: single nucleotide variant.
Coding change: c.715G>A on transcript NM_003072.5 (MANE Select); coding-DNA position 715, G replaced by A.
Protein change: p.Gly239Ser; replaces glycine 239 with serine.
Molecular consequence: missense variant. On other transcripts: non-coding transcript variant (1).
Genome position (GRCh38, 1-based): chr19:10,986,548, G>A. VCF-style: chr19-10986548-G-A. GRCh37 (hg19) VCF-style: chr19-11097224-G-A.
Other names: c.715G>A, p.Gly239Ser (NM_001128844.3, NM_001128845.2, NM_001128846.2 and 5 more transcripts); short protein forms G239S.
Identifiers: ClinVar variation 238514 (VCV000238514.20), dbSNP rs761515593, ClinGen allele CA9203547.